The following is an entry in ClinVar:

NM_000875.5(IGF1R):c.3824G>A (p.Arg1275Gln)

Gene: IGF1R (insulin like growth factor 1 receptor; plus strand). Cytogenetic location: 15q26.3.
Variant type: single nucleotide variant.
Coding change: c.3824G>A on transcript NM_000875.5 (MANE Select); coding-DNA position 3824, G replaced by A.
Protein change: p.Arg1275Gln; replaces arginine 1275 with glutamine.
Molecular consequence: missense variant.
Genome position (GRCh38, 1-based): chr15:98,957,162, G>A. VCF-style: chr15-98957162-G-A. GRCh37 (hg19) VCF-style: chr15-99500391-G-A.
Other names: c.3821G>A, p.Arg1274Gln (NM_001291858.2); c.3824G>A (NM_000875.3); short protein forms R1275Q, R1274Q.
Identifiers: ClinVar variation 1371252 (VCV001371252.7), dbSNP rs556294716, ClinGen allele CA7752797.

ClinVar aggregate classification (germline): Uncertain significance. Review status: criteria provided, multiple submitters, no conflicts (2 of 4 stars). 2 submissions from 2 submitters: Uncertain significance (2). Last evaluated 2024-03-29.

Conditions:
Inborn genetic diseases. Identifiers: MedGen C0950123, MeSH D030342.

Allele frequency attached by ClinVar (database versions not stated): ExAC 0.00001; gnomAD 0.00001; 1000 Genomes Project 30x 0.00016; 1000 Genomes Project 0.00020.
gnomAD v4.1: 16 of 1,614,232 alleles (0.00099%); highest among the groups gnomAD compares: South Asian, 0.0022%; no homozygotes.

Submissions (2):

Ambry Genetics
Classification: Uncertain significance for Inborn genetic diseases. Last evaluated: 2024-03-29. Review status: criteria provided, single submitter. Criteria: Ambry Variant Classification Scheme 2023. Collection method: clinical testing. Allele origin: germline.

Labcorp Genetics (formerly Invitae), Labcorp
Classification: Uncertain significance. Last evaluated: 2024-02-24. Review status: criteria provided, single submitter. Criteria: Invitae Variant Classification Sherloc (09022015). Collection method: clinical testing. Allele origin: germline.
Comment: This sequence change replaces arginine, which is basic and polar, with glutamine, which is neutral and polar, at codon 1275 of the IGF1R protein (p.Arg1275Gln). This variant is present in population databases (rs556294716, gnomAD 0.006%). This variant has not been reported in the literature in individuals affected with IGF1R-related conditions. ClinVar contains an entry for this variant (Variation ID: 1371252). Advanced modeling of protein sequence and biophysical properties (such as structural, functional, and spatial information, amino acid conservation, physicochemical variation, residue mobility, and thermodynamic stability) performed at Invitae indicates that this missense variant is not expected to disrupt IGF1R protein function with a negative predictive value of 80%. In summary, the available evidence is currently insufficient to determine the role of this variant in disease. Therefore, it has been classified as a Variant of Uncertain Significance.